The following is an entry in ClinVar:

ClinVar aggregate classification (germline): Uncertain significance. Review status: criteria provided, multiple submitters, no conflicts (2 of 4 stars). 2 submissions from 2 submitters: Uncertain significance (2). Last evaluated 2025-03-27.

Conditions:
MHC class II deficiency. Also called: Bare lymphocyte syndrome 2; BLS, TYPE II. Identifiers: Orphanet 572, MedGen C5447452, MONDO:0008855.

Allele frequency attached by ClinVar (database versions not stated): ESP Exome Variant Server 0.00008; gnomAD exomes below 0.00001; gnomAD 0.00001; ExAC 0.00002; TOPMed 0.00003.

Submissions (2):

Ambry Genetics
Classification: Uncertain significance. Last evaluated: 2025-03-27. Review status: criteria provided, single submitter. Criteria: Ambry Variant Classification Scheme 2023. Collection method: clinical testing. Allele origin: germline.

Labcorp Genetics (formerly Invitae), Labcorp
Classification: Uncertain significance for MHC class II deficiency. Last evaluated: 2022-11-02. Review status: criteria provided, single submitter. Criteria: Invitae Variant Classification Sherloc (09022015). Collection method: clinical testing. Allele origin: germline.
Comment: This variant has not been reported in the literature in individuals affected with RFX5-related conditions. This variant is present in population databases (rs141894084, gnomAD 0.04%). This sequence change replaces methionine, which is neutral and non-polar, with isoleucine, which is neutral and non-polar, at codon 172 of the RFX5 protein (p.Met172Ile). In summary, the available evidence is currently insufficient to determine the role of this variant in disease. Therefore, it has been classified as a Variant of Uncertain Significance. Algorithms developed to predict the effect of missense changes on protein structure and function are either unavailable or do not agree on the potential impact of this missense change (SIFT: "Tolerated"; PolyPhen-2: "Possibly Damaging"; Align-GVGD: "Class C0").

NM_001025603.2(RFX5):c.516G>A (p.Met172Ile)

Gene: RFX5 (regulatory factor X5; minus strand). Cytogenetic location: 1q21.3.
Variant type: single nucleotide variant.
Coding change: c.516G>A on transcript NM_001025603.2 (MANE Select); coding-DNA position 516, G replaced by A.
Protein change: p.Met172Ile; replaces methionine 172 with isoleucine.
Molecular consequence: missense variant.
Genome position (GRCh38, 1-based): chr1:151,344,236, C>T on the plus strand (G>A on the coding strand, the complement: RFX5 is on the minus strand). VCF-style: chr1-151344236-C-T. GRCh37 (hg19) VCF-style: chr1-151316712-C-T.
Other names: c.516G>A, p.Met172Ile (NM_000449.4, NM_001379412.1, NM_001379413.1 and 5 more transcripts); c.396G>A, p.Met132Ile (NM_001379419.1, NM_001379420.1); short protein forms M132I, M172I.
Identifiers: ClinVar variation 1902016 (VCV001902016.6), dbSNP rs141894084, ClinGen allele CA1089808.